The following is an entry in ClinVar:

ClinVar aggregate classification (germline): Benign/Likely benign. Review status: criteria provided, multiple submitters, no conflicts (2 of 4 stars). 5 submissions from 5 submitters: Benign (3); Likely benign (2). Last evaluated 2026-01-27.

Conditions:
MOCOS-related disorder. Also called: MOCOS-related condition.
Xanthinuria type II. Also called: Xanthine dehydrogenase and aldehyde oxidase combined deficiency of; XDH and AOX dual deficiency. Identifiers: Orphanet 3467, Orphanet 93602, MedGen C1863688, MONDO:0011346, OMIM 603592.

Allele frequency attached by ClinVar (database versions not stated): gnomAD exomes 0.00105 and 0.00267; ExAC 0.00331; gnomAD 0.01006 and 0.01073; 1000 Genomes Project 0.01058; 1000 Genomes Project 30x 0.01109; TOPMed 0.01141; ESP Exome Variant Server 0.01253.
gnomAD v4.1: 3,148 of 1,614,192 alleles (0.2%); highest among the groups gnomAD compares: African/African-American, 3.6%; 52 homozygotes.

Submissions (5):

Labcorp Genetics (formerly Invitae), Labcorp
Classification: Benign for Xanthinuria type II. Last evaluated: 2026-01-27. Review status: criteria provided, single submitter. Criteria: Invitae Variant Classification Sherloc (09022015). Collection method: clinical testing. Allele origin: germline.

Mayo Clinic Laboratories, Mayo Clinic
Classification: Likely benign. Last evaluated: 2025-06-19. Review status: criteria provided, single submitter. Criteria: ACMG Guidelines, 2015. Collection method: clinical testing. Allele origin: germline. Observed: 3 variant alleles.
Comment: BS1, BP4_moderate

GeneDx
Classification: Likely benign. Last evaluated: 2024-12-03. Review status: criteria provided, single submitter. Criteria: GeneDx Variant Classification Process June 2021. Collection method: clinical testing. Allele origin: germline. Affected: yes.
Comment: See Variant Classification Assertion Criteria.

PreventionGenetics, part of Exact Sciences
Classification: Benign for MOCOS-related condition. Last evaluated: 2024-11-14. Review status: criteria provided, single submitter. Criteria: ACMG Guidelines, 2015. Collection method: clinical testing. Allele origin: germline.
Comment: This variant is classified as benign based on ACMG/AMP sequence variant interpretation guidelines (Richards et al. 2015 PMID: 25741868, with internal and published modifications).

Breakthrough Genomics
Classification: Benign. Review status: criteria provided, single submitter. Criteria: ACMG Guidelines, 2015. Collection method: not provided. Allele origin: germline. Inheritance: Autosomal recessive inheritance. Affected: yes.

NM_017947.4(MOCOS):c.2276A>G (p.Glu759Gly)

Gene: MOCOS (molybdenum cofactor sulfurase; plus strand). Cytogenetic location: 18q12.2.
Variant type: single nucleotide variant.
Coding change: c.2276A>G on transcript NM_017947.4 (MANE Select); coding-DNA position 2276, A replaced by G.
Protein change: p.Glu759Gly; replaces glutamic acid 759 with glycine.
Molecular consequence: missense variant.
Genome position (GRCh38, 1-based): chr18:36,260,042, A>G. VCF-style: chr18-36260042-A-G. GRCh37 (hg19) VCF-style: chr18-33840005-A-G.
Other names: p.Glu759Gly; short protein forms E759G.
Identifiers: ClinVar variation 789438 (VCV000789438.16), dbSNP rs77772031, ClinGen allele CA8941012.